The following is an entry in ClinVar:

NM_002202.3(ISL1):c.956C>G (p.Pro319Arg)

Gene: ISL1 (ISL LIM homeobox 1; plus strand). Cytogenetic location: 5q11.1.
Variant type: single nucleotide variant.
Coding change: c.956C>G on transcript NM_002202.3 (MANE Select); coding-DNA position 956, C replaced by G.
Protein change: p.Pro319Arg; replaces proline 319 with arginine.
Molecular consequence: missense variant.
Genome position (GRCh38, 1-based): chr5:51,393,516, C>G. VCF-style: chr5-51393516-C-G. GRCh37 (hg19) VCF-style: chr5-50689350-C-G.
Other names: short protein forms P319R.
Identifiers: ClinVar variation 3345253 (VCV003345253.1).

ClinVar aggregate classification (germline): Uncertain significance (0 of 4 stars; one submission).

Conditions:
ISL1-related disorder. Also called: ISL1-related condition.

gnomAD v4.1: 1 of 1,612,772 alleles (0.000062%); highest among the groups gnomAD compares: South Asian, 0.0011%; no homozygotes.

Submission:

PreventionGenetics, part of Exact Sciences
Classification: Uncertain significance for ISL1-related condition. Last evaluated: 2024-05-31. Review status: no assertion criteria provided. Collection method: clinical testing. Allele origin: germline.
Comment: The ISL1 c.956C>G variant is predicted to result in the amino acid substitution p.Pro319Arg. To our knowledge, this variant has not been reported in the literature or in a large population database, indicating this variant is rare. At this time, the clinical significance of this variant is uncertain due to the absence of conclusive functional and genetic evidence.